The following is an entry in ClinVar:

NM_000257.4(MYH7):c.4894G>C (p.Ala1632Pro)

Genes: MHRT (myosin heavy chain associated RNA transcript; plus strand), MYH7 (myosin heavy chain 7; minus strand), LOC126861897 (BRD4-independent group 4 enhancer GRCh37_chr14:23884455-23885654; plus strand). Cytogenetic location: 14q11.2.
Variant type: single nucleotide variant.
Coding change: c.4894G>C on transcript NM_000257.4 (MANE Select); coding-DNA position 4894, G replaced by C.
Protein change: p.Ala1632Pro; replaces alanine 1632 with proline.
Molecular consequence: missense variant. On other transcripts: non-coding transcript variant (1).
Genome position (GRCh38, 1-based): chr14:23,416,063, C>G on the plus strand (G>C on the coding strand, the complement: MYH7 is on the minus strand). VCF-style: chr14-23416063-C-G. GRCh37 (hg19) VCF-style: chr14-23885272-C-G.
Other names: short protein forms A1632P.
Identifiers: ClinVar variation 1513846 (VCV001513846.9), dbSNP rs565663412, ClinGen allele CA389037405.

ClinVar aggregate classification (germline): Uncertain significance. Review status: criteria provided, multiple submitters, no conflicts (2 of 4 stars). 2 submissions from 2 submitters: Uncertain significance (2). Last evaluated 2023-10-29.

Conditions:
Cardiomyopathy (CMYO). Also called: Cardiomyopathies. Identifiers: Orphanet 167848, MedGen C0878544, MONDO:0004994, HP:0001638. Inheritance: Various modes of inheritance.
Hypertrophic cardiomyopathy. Also called: HYPERTROPHIC MYOCARDIOPATHY. Identifiers: Orphanet 217569, MedGen C0007194, MeSH D002312, MONDO:0005045, HP:0001639.

Submissions (2):

Labcorp Genetics (formerly Invitae), Labcorp
Classification: Uncertain significance for Hypertrophic cardiomyopathy. Last evaluated: 2023-10-29. Review status: criteria provided, single submitter. Criteria: Invitae Variant Classification Sherloc (09022015). Collection method: clinical testing. Allele origin: germline.
Comment: This sequence change replaces alanine, which is neutral and non-polar, with proline, which is neutral and non-polar, at codon 1632 of the MYH7 protein (p.Ala1632Pro). This variant is not present in population databases (gnomAD no frequency). This variant has not been reported in the literature in individuals affected with MYH7-related conditions. ClinVar contains an entry for this variant (Variation ID: 1513846). Advanced modeling of protein sequence and biophysical properties (such as structural, functional, and spatial information, amino acid conservation, physicochemical variation, residue mobility, and thermodynamic stability) performed at Invitae indicates that this missense variant is expected to disrupt MYH7 protein function with a positive predictive value of 95%. In summary, the available evidence is currently insufficient to determine the role of this variant in disease. Therefore, it has been classified as a Variant of Uncertain Significance.

All of Us Research Program, National Institutes of Health
Classification: Uncertain significance for Cardiomyopathy. Last evaluated: 2023-06-08. Review status: criteria provided, single submitter. Criteria: ACMG Guidelines, 2015. Collection method: clinical testing. Allele origin: germline. Inheritance: Autosomal dominant inheritance. Observed: 1 variant allele, 1 heterozygote.
Comment: This missense variant replaces alanine with proline at codon 1632 of the MYH7 protein. Computational prediction suggests that this variant may have deleterious impact on protein structure and function (internally defined REVEL score threshold >= 0.7, PMID: 27666373). To our knowledge, functional studies have not been reported for this variant. This variant has not been reported in individuals affected with MYH7-related disorders in the literature. This variant has not been identified in the general population by the Genome Aggregation Database (gnomAD). The available evidence is insufficient to determine the role of this variant in disease conclusively. Therefore, this variant is classified as a Variant of Uncertain Significance.

This study involves interpretation of variants in research participants for the purpose of population health screening. Participant phenotype was not available at the time of variant classification. Additional details can be found in publication PMID: 35346344, PMCID: PMC8962531